The following is an entry in ClinVar:

NM_001128840.3(CACNA1D):c.1705G>A (p.Glu569Lys)

Gene: CACNA1D (calcium voltage-gated channel subunit alpha1 D; plus strand). Cytogenetic location: 3p21.1.
Variant type: single nucleotide variant.
Coding change: c.1705G>A on transcript NM_001128840.3 (MANE Select); coding-DNA position 1705, G replaced by A.
Protein change: p.Glu569Lys; replaces glutamic acid 569 with lysine.
Molecular consequence: missense variant.
Genome position (GRCh38, 1-based): chr3:53,723,472, G>A. VCF-style: chr3-53723472-G-A. GRCh37 (hg19) VCF-style: chr3-53757499-G-A.
Other names: c.1765G>A, p.Glu589Lys (NM_000720.4); c.1705G>A, p.Glu569Lys (NM_001128839.3); short protein forms E569K, E589K.
Identifiers: ClinVar variation 4768778 (VCV004768778.1).

ClinVar aggregate classification (germline): Uncertain significance (1 of 4 stars; one submission).

gnomAD v4.1: 4 of 1,614,082 alleles (0.00025%); highest among the groups gnomAD compares: Non-Finnish European, 0.00034%; no homozygotes.

Submission:

Labcorp Genetics (formerly Invitae), Labcorp
Classification: Uncertain significance. Last evaluated: 2025-12-22. Review status: criteria provided, single submitter. Criteria: Invitae Variant Classification Sherloc (09022015). Collection method: clinical testing. Allele origin: germline.
Comment: This sequence change replaces glutamic acid, which is acidic and polar, with lysine, which is basic and polar, at codon 589 of the CACNA1D protein (p.Glu589Lys). This variant is not present in population databases (gnomAD no frequency). This variant has not been reported in the literature in individuals affected with CACNA1D-related conditions. Invitae Evidence Modeling of protein sequence and biophysical properties (such as structural, functional, and spatial information, amino acid conservation, physicochemical variation, residue mobility, and thermodynamic stability) indicates that this missense variant is expected to disrupt CACNA1D protein function with a positive predictive value of 80%. In summary, the available evidence is currently insufficient to determine the role of this variant in disease. Therefore, it has been classified as a Variant of Uncertain Significance.